The following is an entry in ClinVar:

ClinVar aggregate classification (germline): Uncertain significance. Review status: criteria provided, multiple submitters, no conflicts (2 of 4 stars). 2 submissions from 2 submitters: Uncertain significance (2). Last evaluated 2025-08-31.

Conditions:
Inborn genetic diseases. Identifiers: MedGen C0950123, MeSH D030342.

Allele frequency attached by ClinVar (database versions not stated): ExAC 0.00002; TOPMed 0.00002; ESP Exome Variant Server 0.00008.
gnomAD v4.1: 93 of 1,614,030 alleles (0.0058%); highest among the groups gnomAD compares: Non-Finnish European, 0.0078%; no homozygotes.

Submissions (2):

Labcorp Genetics (formerly Invitae), Labcorp
Classification: Uncertain significance. Last evaluated: 2025-08-31. Review status: criteria provided, single submitter. Criteria: Invitae Variant Classification Sherloc (09022015). Collection method: clinical testing. Allele origin: germline.
Comment: This sequence change replaces proline, which is neutral and non-polar, with alanine, which is neutral and non-polar, at codon 1775 of the KMT2E protein (p.Pro1775Ala). This variant is present in population databases (rs141008044, gnomAD 0.005%). This variant has not been reported in the literature in individuals affected with KMT2E-related conditions. ClinVar contains an entry for this variant (Variation ID: 2200556). An algorithm developed to predict the effect of missense changes on protein structure and function outputs the following: PolyPhen-2: "Benign". The alanine amino acid residue is found in multiple mammalian species, which suggests that this missense change does not adversely affect protein function. In summary, the available evidence is currently insufficient to determine the role of this variant in disease. Therefore, it has been classified as a Variant of Uncertain Significance.

Ambry Genetics
Classification: Uncertain significance for Inborn genetic diseases. Last evaluated: 2024-02-28. Review status: criteria provided, single submitter. Criteria: Ambry Variant Classification Scheme 2023. Collection method: clinical testing. Allele origin: germline.

NM_182931.3(KMT2E):c.5323C>G (p.Pro1775Ala)

Gene: KMT2E (lysine methyltransferase 2E (inactive); plus strand). Cytogenetic location: 7q22.3.
Variant type: single nucleotide variant.
Coding change: c.5323C>G on transcript NM_182931.3 (MANE Select); coding-DNA position 5323, C replaced by G.
Protein change: p.Pro1775Ala; replaces proline 1775 with alanine.
Molecular consequence: missense variant.
Genome position (GRCh38, 1-based): chr7:105,113,079, C>G. VCF-style: chr7-105113079-C-G. GRCh37 (hg19) VCF-style: chr7-104753526-C-G.
Other names: c.5323C>G (NM_182931.2); c.5197C>G, p.Pro1733Ala (NM_001410908.1); c.5323C>G, p.Pro1775Ala (NM_018682.4); short protein forms P1733A, P1775A.
Identifiers: ClinVar variation 2200556 (VCV002200556.4), dbSNP rs141008044, ClinGen allele CA4424964.